The following is an entry in ClinVar:

ClinVar aggregate classification (germline): Uncertain significance. Review status: criteria provided, multiple submitters, no conflicts (2 of 4 stars). 3 submissions from 3 submitters: Uncertain significance (3). Last evaluated 2022-09-07.

Conditions:
Vici syndrome (VICIS). Identifiers: Orphanet 1493, MedGen C1855772, MONDO:0009452, OMIM 242840.
Inborn genetic diseases. Identifiers: MedGen C0950123, MeSH D030342.

Allele frequency attached by ClinVar (database versions not stated): ExAC 0.00004; ESP Exome Variant Server 0.00008; TOPMed 0.00019; gnomAD 0.00022 and 0.00026.
gnomAD v4.1: 58 of 1,613,818 alleles (0.0036%); highest among the groups gnomAD compares: African/African-American, 0.072%; no homozygotes.

Submissions (3):

Labcorp Genetics (formerly Invitae), Labcorp
Classification: Uncertain significance for Vici syndrome. Last evaluated: 2022-09-07. Review status: criteria provided, single submitter. Criteria: Invitae Variant Classification Sherloc (09022015). Collection method: clinical testing. Allele origin: germline.
Comment: This sequence change replaces methionine, which is neutral and non-polar, with isoleucine, which is neutral and non-polar, at codon 513 of the EPG5 protein (p.Met513Ile). This variant is present in population databases (rs369120436, gnomAD 0.08%). This variant has not been reported in the literature in individuals affected with EPG5-related conditions. ClinVar contains an entry for this variant (Variation ID: 501501). Algorithms developed to predict the effect of missense changes on protein structure and function are either unavailable or do not agree on the potential impact of this missense change (SIFT: "Tolerated"; PolyPhen-2: "Possibly Damaging"; Align-GVGD: "Class C0"). In summary, the available evidence is currently insufficient to determine the role of this variant in disease. Therefore, it has been classified as a Variant of Uncertain Significance.

Ambry Genetics
Classification: Uncertain significance for Inborn genetic diseases. Last evaluated: 2021-06-23. Review status: criteria provided, single submitter. Criteria: Ambry Variant Classification Scheme 2023. Collection method: clinical testing. Allele origin: germline.

Eurofins Ntd Llc (ga)
Classification: Uncertain significance. Last evaluated: 2017-04-17. Review status: criteria provided, single submitter. Criteria: EGL Classification Definitions 2015. Collection method: clinical testing. Allele origin: germline. Observed: 1 variant allele, 1 heterozygote.

NM_020964.3(EPG5):c.1539G>T (p.Met513Ile)

Gene: EPG5 (ectopic P-granules 5 autophagy tethering factor; minus strand). Cytogenetic location: 18q21.1.
Variant type: single nucleotide variant.
Coding change: c.1539G>T on transcript NM_020964.3 (MANE Select); coding-DNA position 1539, G replaced by T.
Protein change: p.Met513Ile; replaces methionine 513 with isoleucine.
Molecular consequence: missense variant.
Genome position (GRCh38, 1-based): chr18:45,948,535, C>A on the plus strand (G>T on the coding strand, the complement: EPG5 is on the minus strand). VCF-style: chr18-45948535-C-A. GRCh37 (hg19) VCF-style: chr18-43528501-C-A.
Other names: c.1539G>T, p.Met513Ile (LRG_1234t1); short protein forms M513I.
Identifiers: ClinVar variation 501501 (VCV000501501.10), dbSNP rs369120436, ClinGen allele CA8949687.